The following is an entry in ClinVar:

ClinVar aggregate classification (germline): Uncertain significance. Review status: criteria provided, multiple submitters, no conflicts (2 of 4 stars). 4 submissions from 4 submitters: Uncertain significance (4). Last evaluated 2026-01-25.

Conditions:
Combined immunodeficiency due to OX40 deficiency. Also called: Immunodeficiency 16; OX40 DEFICIENCY. Identifiers: Orphanet 431149, MedGen C3810053, MONDO:0014268, OMIM 615593.

Allele frequency attached by ClinVar (database versions not stated): gnomAD exomes 0.00008 and 0.00014; ESP Exome Variant Server 0.00023; gnomAD 0.00024 and 0.00026; TOPMed 0.00028; ExAC 0.00032; 1000 Genomes Project 30x 0.00094; 1000 Genomes Project 0.00100.

Submissions (4):

Labcorp Genetics (formerly Invitae), Labcorp
Classification: Uncertain significance for Combined immunodeficiency due to OX40 deficiency. Last evaluated: 2026-01-25. Review status: criteria provided, single submitter. Criteria: Invitae Variant Classification Sherloc (09022015). Collection method: clinical testing. Allele origin: germline.
Comment: This sequence change replaces proline, which is neutral and non-polar, with leucine, which is neutral and non-polar, at codon 66 of the TNFRSF4 protein (p.Pro66Leu). This variant is present in population databases (rs370919067, gnomAD 0.1%), and has an allele count higher than expected for a pathogenic variant. This variant has not been reported in the literature in individuals affected with TNFRSF4-related conditions. ClinVar contains an entry for this variant (Variation ID: 651759). Invitae Evidence Modeling of protein sequence and biophysical properties (such as structural, functional, and spatial information, amino acid conservation, physicochemical variation, residue mobility, and thermodynamic stability) indicates that this missense variant is not expected to disrupt TNFRSF4 protein function with a negative predictive value of 80%. In summary, the available evidence is currently insufficient to determine the role of this variant in disease. Therefore, it has been classified as a Variant of Uncertain Significance.

Ambry Genetics
Classification: Uncertain significance. Last evaluated: 2024-08-26. Review status: criteria provided, single submitter. Criteria: Ambry Variant Classification Scheme 2023. Collection method: clinical testing. Allele origin: germline.

Blueprint Genetics
Classification: Uncertain significance. Last evaluated: 2022-07-15. Review status: criteria provided, single submitter. Criteria: ACMG Guidelines, 2015. Collection method: clinical testing. Allele origin: germline.

Breakthrough Genomics
Classification: Uncertain significance. Review status: criteria provided, single submitter. Criteria: ACMG Guidelines, 2015. Collection method: not provided. Allele origin: germline. Inheritance: Autosomal recessive inheritance. Affected: yes.

NM_003327.4(TNFRSF4):c.197C>T (p.Pro66Leu)

Gene: TNFRSF4 (TNF receptor superfamily member 4; minus strand). Cytogenetic location: 1p36.33.
Variant type: single nucleotide variant.
Coding change: c.197C>T on transcript NM_003327.4 (MANE Select); coding-DNA position 197, C replaced by T.
Protein change: p.Pro66Leu; replaces proline 66 with leucine.
Molecular consequence: missense variant.
Genome position (GRCh38, 1-based): chr1:1,213,734, G>A on the plus strand (C>T on the coding strand, the complement: TNFRSF4 is on the minus strand). VCF-style: chr1-1213734-G-A. GRCh37 (hg19) VCF-style: chr1-1149114-G-A.
Other names: c.197C>T, p.Pro66Leu (LRG_1319t1); short protein forms P66L.
Identifiers: ClinVar variation 651759 (VCV000651759.12), dbSNP rs370919067, ClinGen allele CA512628.